The following is an entry in ClinVar:

ClinVar aggregate classification (germline): Uncertain significance. Review status: criteria provided, multiple submitters, no conflicts (2 of 4 stars). 7 submissions from 7 submitters: Uncertain significance (4). 3 of the submissions do not count toward it. Last evaluated 2025-10-22.

Conditions:
PKD1-related disorder. Also called: PKD1-related condition.
Polycystic kidney disease, adult type (PKD1). Also called: Polycystic Kidney Disease 1, Autosomal Dominant; Polycystic kidney disease 1; Polycystic kidney disease 1, severe; Polycystic Kidney, Autosomal Dominant; POLYCYSTIC KIDNEY DISEASE 1 WITH OR WITHOUT POLYCYSTIC LIVER DISEASE; POLYCYSTIC KIDNEY DISEASE, ADULT, TYPE I. Identifiers: MedGen C3149841, MONDO:0008263, OMIM 173900.
Polycystic kidney disease. Also called: Kidney, Polycystic; Polycystic kidney dysplasia. Identifiers: MedGen C0022680, MeSH D007690, MONDO:0020642, HP:0000113.

Submissions (7):

Women's Health and Genetics/Laboratory Corporation of America, LabCorp
Classification: Uncertain significance. Last evaluated: 2025-10-22. Review status: criteria provided, single submitter. Criteria: LabCorp Variant Classification Summary - May 2015. Collection method: clinical testing. Allele origin: germline.
Comment: Variant summary: PKD1 c.8681_8689delCCAACTCCG (p.Ala2894_Ser2896del) results in an in-frame deletion that is predicted to remove 3 amino acids from the encoded protein. The frequency data for this variant in gnomAD is considered unreliable, as metrics indicate poor data quality at this position. c.8681_8689delCCAACTCCG has been observed in individuals affected with Polycystic Kidney Disease without evidence of cosegregation with disease, and one family had a co-occurring likely pathogenic variant in PKD2 (e.g., Rossetti_2007, Garcia-Gonzalez_2007, Yu_2011). These report do not provide unequivocal conclusions about association of the variant with PKD1-related conditions. To our knowledge, no experimental evidence demonstrating an impact on protein function has been reported. The following publications have been ascertained in the context of this evaluation (PMID: 17574468, 17582161, 22185115). ClinVar contains an entry for this variant (Variation ID: 800773). Based on the evidence outlined above, the variant was classified as uncertain significance.

GeneDx
Classification: Uncertain significance. Last evaluated: 2025-08-06. Review status: criteria provided, single submitter. Criteria: GeneDx Variant Classification Process June 2021. Collection method: clinical testing. Allele origin: germline. Affected: yes.
Comment: Reported as a polymorphism in patients with polycystic kidney disease in published literature; of note, one patient also carried a PKD2 variant which segregated with disease in other family members (PMID: 17582161, 22008521, 22185115); In-frame deletion of 3 amino acids in a non-repeat region; In silico analysis suggests that this variant does not alter protein structure/function; This variant is associated with the following publications: (PMID: 22008521, 22185115, 17574468, 17582161)

Athena Diagnostics
Classification: Uncertain significance. Last evaluated: 2024-08-05. Review status: criteria provided, single submitter. Criteria: Athena Diagnostics Criteria. Collection method: clinical testing. Allele origin: unknown.

Mayo Clinic Laboratories, Mayo Clinic
Classification: Uncertain significance. Last evaluated: 2023-02-13. Review status: criteria provided, single submitter. Criteria: ACMG Guidelines, 2015. Collection method: clinical testing. Allele origin: germline. Observed: 3 variant alleles.
Comment: PM4

PreventionGenetics, part of Exact Sciences
Classification: Likely benign for PKD1-related condition. Last evaluated: 2022-10-09. Review status: no assertion criteria provided. Collection method: clinical testing. Allele origin: germline. Not counted in ClinVar's aggregate classification.
Comment: This variant is classified as likely benign based on ACMG/AMP sequence variant interpretation guidelines (Richards et al. 2015 PMID: 25741868, with internal and published modifications).

Biochemical Molecular Genetic Laboratory, King Abdulaziz Medical City
Classification: Uncertain significance for Polycystic kidney disease, adult type. Last evaluated: 2019-01-29. Review status: no assertion criteria provided. Collection method: clinical testing. Allele origin: germline. Affected: yes. Not counted in ClinVar's aggregate classification.

Department of Pathology and Laboratory Medicine, Sinai Health System
Classification: Uncertain significance for Polycystic Kidney disease. Review status: no assertion criteria provided. Collection method: clinical testing. Allele origin: unknown. Affected: yes. Study: The Canadian Open Genetics Repository (COGR). Not counted in ClinVar's aggregate classification.
Comment: PKD1, EXON23, c.8681_8689dup, p.Ala2894_Ser2896dup, Heterozygous, Uncertain Significance The PKD1 p.Ala2894_Ser2896dup variant was not identified in the literature nor was it identified in the ClinVar, LOVD 3.0, ADPKD Mutation Database or in the PKD1-LOVD database. The variant was identified in dbSNP (ID: rs763199524) as "NA". It was also identified in control databases in 44 of 268794 chromosomes at a frequency of 0.0002 (Genome Aggregation Database Feb 27, 2017). The variant was observed in the following populations: Ashkenazi Jewish in 10 of 10140 chromosomes (freq: 0.001), Latino in 16 of 35258 chromosomes (freq: 0.0005), European in 16 of 124126 chromosomes (freq: 0.0001), East Asian in 1 of 19456 chromosomes (freq: 0.00005), South Asian in 1 of 30498 chromosomes (freq: 0.00003); it was not observed in the African, Finnish and Other populations. This variant is an in-frame duplication resulting in the addition of an alanine (ala), asparagine (asn) and serine (ser) residue at codon 2896; the impact of this alteration on PKD1 protein function is not known. In summary, based on the above information the clinical significance of this variant cannot be determined with certainty at this time. This variant is classified as a variant of uncertain significance. Assessment Date: 2019/07/08.

Literature cited by the submitters: PubMed 22185115 (cited by 3 submitters); PubMed 17582161 (cited by 3 submitters); PubMed 17574468 (cited by 3 submitters); PubMed 22383692 (cited by Athena Diagnostics); PubMed 22008521 (cited by Athena Diagnostics and Mayo Clinic Laboratories, Mayo Clinic).

NM_001009944.3(PKD1):c.8672CCAACTCCG[1] (p.2891ANS[1])

Gene: PKD1 (polycystin 1, transient receptor potential channel interacting; minus strand). Cytogenetic location: 16p13.3.
Variant type: Microsatellite.
Coding change: c.8672CCAACTCCG[1] on transcript NM_001009944.3 (MANE Select); one copy of the 9-base unit CCAACTCCG starting at c.8672; the reference has two copies in a row; one copy, 9 bases deleted; also written c.8681_8689del.
Protein change: p.2891ANS[1].
Molecular consequence: inframe deletion.
Genome position (GRCh38, 1-based): chr16:2,103,368-2,103,376, CGGAGTTGG deleted on the plus strand (CCAACTCCG on the coding strand, the reverse complement: PKD1 is on the minus strand); deleting any 9 consecutive bases within chr16:2,103,368-2,103,390 gives the same sequence; the position shown is the placement nearest the transcript's 3' end. VCF-style (leftmost placement, unchanged base first): chr16-2103367-ACGGAGTTGG-A. GRCh37 (hg19) VCF-style: chr16-2153368-ACGGAGTTGG-A.
Other names: p.Ala2894_Ser2896del; c.8681_8689delCCAACTCCG (NM_001009944.3, NM_001009944.2); c.8681_8689del (NM_000296.3, NM_001009944.3); c.8672CCAACTCCG[1], p.2891ANS[1] (NM_000296.4).
Identifiers: ClinVar variation 800773 (VCV000800773.13), dbSNP rs763199524, ClinGen allele CA620705595.